The following is an entry in ClinVar:

NM_007194.4(CHEK2):c.871T>A (p.Phe291Ile)

Gene: CHEK2 (checkpoint kinase 2; minus strand). Cytogenetic location: 22q12.1.
Variant type: single nucleotide variant.
Coding change: c.871T>A on transcript NM_007194.4 (MANE Select); coding-DNA position 871, T replaced by A.
Protein change: p.Phe291Ile; replaces phenylalanine 291 with isoleucine.
Molecular consequence: missense variant.
Genome position (GRCh38, 1-based): chr22:28,703,542, A>T on the plus strand (T>A on the coding strand, the complement: CHEK2 is on the minus strand). VCF-style: chr22-28703542-A-T. GRCh37 (hg19) VCF-style: chr22-29099530-A-T.
Other names: c.1000T>A, p.Phe334Ile (NM_001005735.3); c.208T>A, p.Phe70Ile (NM_001257387.3); c.670T>A, p.Phe224Ile (NM_001349956.3); c.871T>A, p.Phe291Ile (NM_145862.3); short protein forms F291I, F334I, F224I, F70I.
Identifiers: ClinVar variation 922350 (VCV000922350.12), dbSNP rs2052980010, ClinGen allele CA411101189.
Genomic context (GRCh38, chr22:28,703,542, plus strand): 5'-TTTTTAAAAAGTTTACTACTTACAATTCCAAAACAATATAATAATCTTCTGCATCAAAAA[A>T]GTTTTTAATCTTGATGATGCAAGGCTAAGAAGAGGGGGAGAAAAAAGGGAAAGTAGTGAG-3'
Protein context (NP_009125.1, residues 281-301): NHPCIIKIKN[Phe291Ile]FDAEDYYIVL

ClinVar aggregate classification (germline): Uncertain significance. Review status: criteria provided, multiple submitters, no conflicts (2 of 4 stars). 4 submissions from 4 submitters: Uncertain significance (3). 1 of the submissions does not count toward it. Last evaluated 2024-03-06.

Conditions:
Hereditary cancer-predisposing syndrome. Also called: Neoplastic Syndromes, Hereditary; Tumor predisposition; Hereditary Cancer Syndrome; Hereditary neoplastic syndrome. Identifiers: Orphanet 140162, MedGen C0027672, MeSH D009386, MONDO:0015356.
CHEK2-related disorder.
Familial cancer of breast. Also called: BREAST CANCER, FAMILIAL; hereditary breast carcinoma; Hereditary breast cancer. Identifiers: Orphanet 227535, MedGen C0346153, MONDO:0016419, OMIM 114480. Disease mechanism: loss of function.

Allele frequency attached by ClinVar (database versions not stated): gnomAD exomes below 0.00001.
gnomAD v4.1: 1 of 1,559,956 alleles (0.000064%); highest among the groups gnomAD compares: Non-Finnish European, 0.000088%; no homozygotes.

Submissions (4):

Color Diagnostics, LLC DBA Color Health
Classification: Uncertain significance for Hereditary cancer-predisposing syndrome. Last evaluated: 2024-03-06. Review status: criteria provided, single submitter. Criteria: ACMG Guidelines, 2015. Collection method: clinical testing. Allele origin: germline.
Comment: This missense variant replaces phenylalanine with isoleucine at codon 291 of the CHEK2 protein. Computational prediction suggests that this variant may not impact protein structure and function (internally defined REVEL score threshold <= 0.5, PMID: 27666373). To our knowledge, functional studies have not been reported for this variant. This variant has not been reported in individuals affected with CHEK2-related disorders in the literature. This variant has not been identified in the general population by the Genome Aggregation Database (gnomAD). The available evidence is insufficient to determine the role of this variant in disease conclusively. Therefore, this variant is classified as a Variant of Uncertain Significance.

Labcorp Genetics (formerly Invitae), Labcorp
Classification: Uncertain significance for Familial cancer of breast. Last evaluated: 2022-10-25. Review status: criteria provided, single submitter. Criteria: Invitae Variant Classification Sherloc (09022015). Collection method: clinical testing. Allele origin: germline.
Comment: This sequence change replaces phenylalanine, which is neutral and non-polar, with isoleucine, which is neutral and non-polar, at codon 291 of the CHEK2 protein (p.Phe291Ile). This variant is not present in population databases (gnomAD no frequency). This variant has not been reported in the literature in individuals affected with CHEK2-related conditions. ClinVar contains an entry for this variant (Variation ID: 922350). Algorithms developed to predict the effect of missense changes on protein structure and function (SIFT, PolyPhen-2, Align-GVGD) all suggest that this variant is likely to be tolerated. In summary, the available evidence is currently insufficient to determine the role of this variant in disease. Therefore, it has been classified as a Variant of Uncertain Significance.

Ambry Genetics
Classification: Uncertain significance for Hereditary cancer-predisposing syndrome. Last evaluated: 2020-02-27. Review status: criteria provided, single submitter. Criteria: Ambry Variant Classification Scheme 2023. Collection method: clinical testing. Allele origin: germline.
Comment: The p.F291I variant (also known as c.871T>A), located in coding exon 7 of the CHEK2 gene, results from a T to A substitution at nucleotide position 871. The phenylalanine at codon 291 is replaced by isoleucine, an amino acid with highly similar properties. This amino acid position is well conserved in available vertebrate species. In addition, the in silico prediction for this alteration is inconclusive. Since supporting evidence is limited at this time, the clinical significance of this alteration remains unclear.

PreventionGenetics, part of Exact Sciences
Classification: Uncertain significance for CHEK2-related condition. Last evaluated: 2023-12-21. Review status: no assertion criteria provided. Collection method: clinical testing. Allele origin: germline. Not counted in ClinVar's aggregate classification.
Comment: The CHEK2 c.871T>A variant is predicted to result in the amino acid substitution p.Phe291Ile. To our knowledge, this variant has not been reported in the literature or in a large population database, indicating this variant is rare. It is interpreted as a variant of uncertain significance in ClinVar. At this time, the clinical significance of this variant is uncertain due to the absence of conclusive functional and genetic evidence.